The following is an entry in ClinVar:

NM_001374828.1(ARID1B):c.1491G>T (p.Gly497=)

Gene: ARID1B (AT-rich interaction domain 1B; plus strand). Cytogenetic location: 6q25.3.
Variant type: single nucleotide variant.
Coding change: c.1491G>T on transcript NM_001374828.1 (MANE Select); coding-DNA position 1491, G replaced by T.
Protein change: p.Gly497=; no amino-acid change (glycine 497 retained).
Molecular consequence: synonymous variant.
Genome position (GRCh38, 1-based): chr6:156,779,171, G>T. VCF-style: chr6-156779171-G-T. GRCh37 (hg19) VCF-style: chr6-157100305-G-T.
Other names: c.1491G>T, p.Gly497= (NM_001371656.1, NM_001374820.1, NM_001438482.1 and 9 more transcripts).
Identifiers: ClinVar variation 4281308 (VCV004281308.7).

ClinVar aggregate classification (germline): Likely benign (1 of 4 stars; one submission).

Submission:

CeGaT Center for Human Genetics Tuebingen
Classification: Likely benign. Last evaluated: 2026-03-01. Review status: criteria provided, single submitter. Criteria: CeGaT Center For Human Genetics Tuebingen Variant Classification Criteria Version 2. Collection method: clinical testing. Allele origin: germline. Affected: yes. Observed: 3 variant alleles.
Comment: ARID1B: PM2:Supporting, BP4, BP7